The following is an entry in ClinVar:

ClinVar aggregate classification (germline): Uncertain significance. Review status: criteria provided, multiple submitters, no conflicts (2 of 4 stars). 6 submissions from 6 submitters: Uncertain significance (6). Last evaluated 2026-02-20.

Conditions:
Familial adenomatous polyposis 4 (FAP4). Also called: MSH3-related attenuated familial adenomatous polyposis. Identifiers: Orphanet 480536, MedGen C4310719, MONDO:0044300, OMIM 617100.
Endometrial carcinoma. Also called: Endometrial carcinoma, somatic. Identifiers: MedGen C0476089, MONDO:0002447, OMIM 608089, HP:0012114.
Hereditary cancer-predisposing syndrome. Also called: Hereditary Cancer Syndrome; Hereditary neoplastic syndrome; Tumor predisposition; Neoplastic Syndromes, Hereditary. Identifiers: Orphanet 140162, MedGen C0027672, MeSH D009386, MONDO:0015356.

Allele frequency attached by ClinVar (database versions not stated): ESP Exome Variant Server 0.00023; gnomAD exomes 0.00003 and 0.00001; ExAC 0.00005; TOPMed 0.00011; gnomAD 0.00009.
gnomAD v4.1: 28 of 1,599,870 alleles (0.0018%); highest among the groups gnomAD compares: African/African-American, 0.036%; no homozygotes.

Submissions (6):

St. Jude Molecular Pathology, St. Jude Children's Research Hospital
Classification: Uncertain significance for Familial adenomatous polyposis 4. Last evaluated: 2026-02-20. Review status: criteria provided, single submitter. Criteria: St. Jude Assertion Criteria 2020. Collection method: clinical testing. Allele origin: germline.
Comment: The MSH3 c.3404T>G p.(L eu1135Arg) missense change has a maximum subpopulation frequency of 0.06% in gnomAD v2.1.1. The in silico tool REVEL is inconclusive about a pathogenic or benign effect of this variant on protein function, and to our knowledge functional studies have not been performed. This variant has been reported in an individual with familial colorectal cancer (PMID: 28944238). In summary, the evidence currently available is insufficient to determine the clinical significance of this variant. It has therefore been classified as of uncertain significance.

Labcorp Genetics (formerly Invitae), Labcorp
Classification: Uncertain significance. Last evaluated: 2026-01-30. Review status: criteria provided, single submitter. Criteria: Invitae Variant Classification Sherloc (09022015). Collection method: clinical testing. Allele origin: germline.
Comment: This sequence change replaces leucine, which is neutral and non-polar, with arginine, which is basic and polar, at codon 1135 of the MSH3 protein (p.Leu1135Arg). This variant is present in population databases (rs148947624, gnomAD 0.07%). This variant has not been reported in the literature in individuals affected with MSH3-related conditions. ClinVar contains an entry for this variant (Variation ID: 643220). An algorithm developed to predict the effect of missense changes on protein structure and function (PolyPhen-2) suggests that this variant is likely to be tolerated. In summary, the available evidence is currently insufficient to determine the role of this variant in disease. Therefore, it has been classified as a Variant of Uncertain Significance.

GeneDx
Classification: Uncertain significance. Last evaluated: 2025-06-10. Review status: criteria provided, single submitter. Criteria: GeneDx Variant Classification Process June 2021. Collection method: clinical testing. Allele origin: germline.
Comment: In silico analysis suggests that this missense variant does not alter protein structure/function; Observed in individuals with a personal history of colorectal cancer (PMID: 28944238); This variant is associated with the following publications: (PMID: 28944238)

Fulgent Genetics
Classification: Uncertain significance for Endometrial carcinoma; Familial adenomatous polyposis 4. Last evaluated: 2024-03-16. Review status: criteria provided, single submitter. Criteria: ACMG Guidelines, 2015. Collection method: clinical testing. Allele origin: germline.

Ambry Genetics
Classification: Uncertain significance for Hereditary cancer-predisposing syndrome. Last evaluated: 2024-01-04. Review status: criteria provided, single submitter. Criteria: Ambry Variant Classification Scheme 2023. Collection method: clinical testing. Allele origin: germline.
Comment: The p.L1135R variant (also known as c.3404T>G), located in coding exon 24 of the MSH3 gene, results from a T to G substitution at nucleotide position 3404. The leucine at codon 1135 is replaced by arginine, an amino acid with dissimilar properties. In one study, this alteration was identified in 1/1231 colorectal cancer cases and 0/93 controls (DeRycke MS et al. Mol Genet Genomic Med, 2017 Sep;5:553-569). This amino acid position is not well conserved in available vertebrate species. In addition, the in silico prediction for this alteration is inconclusive. Since supporting evidence is limited at this time, the clinical significance of this alteration remains unclear.

Baylor Genetics
Classification: Uncertain significance for Endometrial carcinoma. Last evaluated: 2023-11-21. Review status: criteria provided, single submitter. Criteria: ACMG Guidelines, 2015. Collection method: clinical testing. Allele origin: unknown.

Literature cited by the submitters: PubMed 28944238 (cited by Ambry Genetics).

NM_002439.5(MSH3):c.3404T>G (p.Leu1135Arg)

Gene: MSH3 (mutS homolog 3; plus strand). Cytogenetic location: 5q14.1.
Variant type: single nucleotide variant.
Coding change: c.3404T>G on transcript NM_002439.5 (MANE Select); coding-DNA position 3404, T replaced by G.
Protein change: p.Leu1135Arg; replaces leucine 1135 with arginine.
Molecular consequence: missense variant.
Genome position (GRCh38, 1-based): chr5:80,875,852, T>G. VCF-style: chr5-80875852-T-G. GRCh37 (hg19) VCF-style: chr5-80171671-T-G.
Other names: short protein forms L1135R.
Identifiers: ClinVar variation 643220 (VCV000643220.17), dbSNP rs148947624, ClinGen allele CA3328535.